The following is an entry in ClinVar:

ClinVar aggregate classification (germline): Uncertain significance. Review status: criteria provided, multiple submitters, no conflicts (2 of 4 stars). 2 submissions from 2 submitters: Uncertain significance (2). Last evaluated 2025-03-11.

Conditions:
Hereditary cancer-predisposing syndrome. Also called: Neoplastic Syndromes, Hereditary; Hereditary Cancer Syndrome; Tumor predisposition; Hereditary neoplastic syndrome. Identifiers: Orphanet 140162, MedGen C0027672, MeSH D009386, MONDO:0015356.

Submissions (2):

Color Diagnostics, LLC DBA Color Health
Classification: Uncertain significance for Hereditary cancer-predisposing syndrome. Last evaluated: 2025-03-11. Review status: criteria provided, single submitter. Criteria: ACMG Guidelines, 2015. Collection method: clinical testing. Allele origin: germline.
Comment: This variant is located in the 5' untranslated region of the RAD51C gene. In an RNA minigene assay, this variant disrupted splicing (PMID: 37725924). This variant has not been reported in individuals affected with RAD51C-related disorders in the literature. This variant has been identified in 3/251118 chromosomes in the general population by the Genome Aggregation Database (gnomAD). The available evidence is insufficient to determine the role of this variant in disease conclusively. Therefore, this variant is classified as a Variant of Uncertain Significance.

Women's Health and Genetics/Laboratory Corporation of America, LabCorp
Classification: Uncertain significance. Last evaluated: 2021-11-08. Review status: criteria provided, single submitter. Criteria: LabCorp Variant Classification Summary - May 2015. Collection method: clinical testing. Allele origin: germline.

Literature cited by the submitters: PubMed 37725924 (cited by Color Diagnostics, LLC DBA Color Health).

NM_058216.3(RAD51C):c.-7G>T

Gene: RAD51C (RAD51 paralog C; plus strand). Cytogenetic location: 17q22.
Variant type: single nucleotide variant.
Coding change: c.-7G>T on transcript NM_058216.3 (MANE Select); 7 bases upstream of the start codon, G replaced by T.
Molecular consequence: 5 prime UTR variant. On other transcripts: non-coding transcript variant (2).
Genome position (GRCh38, 1-based): chr17:58,692,637, G>T. VCF-style: chr17-58692637-G-T. GRCh37 (hg19) VCF-style: chr17-56769998-G-T.
Other names: c.-7G>T (NM_002876.4).
Identifiers: ClinVar variation 927405 (VCV000927405.4), dbSNP rs753249247, ClinGen allele CA8677112.